The following is an entry in ClinVar:

NM_024529.5(CDC73):c.1538G>A (p.Arg513Gln)

Gene: CDC73 (cell division cycle 73; plus strand). Cytogenetic location: 1q31.2.
Variant type: single nucleotide variant.
Coding change: c.1538G>A on transcript NM_024529.5 (MANE Select); coding-DNA position 1538, G replaced by A.
Protein change: p.Arg513Gln; replaces arginine 513 with glutamine.
Molecular consequence: missense variant.
Genome position (GRCh38, 1-based): chr1:193,249,850, G>A. VCF-style: chr1-193249850-G-A. GRCh37 (hg19) VCF-style: chr1-193218980-G-A.
Other names: short protein forms R513Q.
Identifiers: ClinVar variation 462751 (VCV000462751.17), dbSNP rs1465509067, ClinGen allele CA344078610.
Genomic context (GRCh38, chr1:193,249,850, plus strand): 5'-ATGTAACAGTATTAGAACTCAGCTATCACAAACGTCATTTGGATAGACCAGTGTTCTTAC[G>A]GTTTTGGGAAACATTGGACAGGTAATTCCGATTCTAAAATATGCTTGTGTGTGTTTTATT-3'
Protein context (NP_078805.3, residues 503-523): KRHLDRPVFL[Arg513Gln]FWETLDRYMV

ClinVar aggregate classification (germline): Uncertain significance. Review status: criteria provided, multiple submitters, no conflicts (2 of 4 stars). 5 submissions from 5 submitters: Uncertain significance (5). Last evaluated 2025-11-18.

Conditions:
Hyperparathyroidism 1 (HRPT1). Also called: HYPERPARATHYROIDISM, FAMILIAL ISOLATED PRIMARY. Identifiers: Orphanet 99879, MedGen C1840402, MONDO:0007767, OMIM 145000.
Hereditary cancer-predisposing syndrome. Also called: Neoplastic Syndromes, Hereditary; Hereditary Cancer Syndrome; Hereditary neoplastic syndrome; Tumor predisposition. Identifiers: Orphanet 140162, MedGen C0027672, MeSH D009386, MONDO:0015356.
Parathyroid carcinoma (PRTC). Also called: CDC73-Related Parathyroid Carcinoma; Parathyroid gland carcinoma. Identifiers: Orphanet 143, MedGen C0687150, MONDO:0012004, OMIM 608266, HP:0006780.

Allele frequency attached by ClinVar (database versions not stated): gnomAD exomes 0.00001 and 0.00004.

Submissions (5):

Labcorp Genetics (formerly Invitae), Labcorp
Classification: Uncertain significance for Parathyroid carcinoma. Last evaluated: 2025-11-18. Review status: criteria provided, single submitter. Criteria: Invitae Variant Classification Sherloc (09022015). Collection method: clinical testing. Allele origin: germline.
Comment: This sequence change replaces arginine, which is basic and polar, with glutamine, which is neutral and polar, at codon 513 of the CDC73 protein (p.Arg513Gln). This variant is present in population databases (no rsID available, gnomAD no frequency). This variant has not been reported in the literature in individuals affected with CDC73-related conditions. ClinVar contains an entry for this variant (Variation ID: 462751). Invitae Evidence Modeling of protein sequence and biophysical properties (such as structural, functional, and spatial information, amino acid conservation, physicochemical variation, residue mobility, and thermodynamic stability) indicates that this missense variant is not expected to disrupt CDC73 protein function with a negative predictive value of 80%. In summary, the available evidence is currently insufficient to determine the role of this variant in disease. Therefore, it has been classified as a Variant of Uncertain Significance.

GeneDx
Classification: Uncertain significance. Last evaluated: 2024-03-18. Review status: criteria provided, single submitter. Criteria: GeneDx Variant Classification Process June 2021. Collection method: clinical testing. Allele origin: germline. Affected: yes.
Comment: Not observed at significant frequency in large population cohorts (gnomAD); In silico analysis supports that this missense variant does not alter protein structure/function; Has not been previously published as pathogenic or benign to our knowledge; This variant is associated with the following publications: (PMID: 15923622)

Ambry Genetics
Classification: Uncertain significance for Hereditary cancer-predisposing syndrome. Last evaluated: 2023-11-29. Review status: criteria provided, single submitter. Criteria: Ambry Variant Classification Scheme 2023. Collection method: clinical testing. Allele origin: germline.
Comment: The p.R513Q variant (also known as c.1538G>A), located in coding exon 16 of the CDC73 gene, results from a G to A substitution at nucleotide position 1538. The arginine at codon 513 is replaced by glutamine, an amino acid with highly similar properties. This amino acid position is well conserved in available vertebrate species. In addition, this alteration is predicted to be tolerated by in silico analysis. Since supporting evidence is limited at this time, the clinical significance of this alteration remains unclear.

Baylor Genetics
Classification: Uncertain significance for Hyperparathyroidism 1. Last evaluated: 2023-10-06. Review status: criteria provided, single submitter. Criteria: ACMG Guidelines, 2015. Collection method: clinical testing. Allele origin: unknown.

Sema4
Classification: Uncertain significance for Hereditary cancer-predisposing syndrome. Last evaluated: 2022-03-18. Review status: criteria provided, single submitter. Criteria: Sema4 Curation Guidelines. Collection method: curation. Allele origin: germline.
Comment: The CDC73 c.1538G>A (p.R513Q) variant has not been reported in the literature to our knowledge. This variant was observed in 1/113546 chromosomes in the Non-Finnish European population according to the Genome Aggregation Database (PMID: 32461654). This variant has been reported in ClinVar (Variation ID: 462751). Functional studies have not been performed, and in silico predictions of the variant's effect on protein function are inconclusive. The evidence is insufficient to meet ACMG/AMP criteria for classifying the variant as benign or pathogenic. Thus, the clinical significance of this variant is currently uncertain.